The following is an entry in ClinVar:

NM_001365951.3(KIF1B):c.3364A>G (p.Thr1122Ala)

Gene: KIF1B (kinesin family member 1B; plus strand). Cytogenetic location: 1p36.22.
Variant type: single nucleotide variant.
Coding change: c.3364A>G on transcript NM_001365951.3 (MANE Select); coding-DNA position 3364, A replaced by G.
Protein change: p.Thr1122Ala; replaces threonine 1122 with alanine.
Molecular consequence: missense variant.
Genome position (GRCh38, 1-based): chr1:10,337,475, A>G. VCF-style: chr1-10337475-A-G. GRCh37 (hg19) VCF-style: chr1-10397533-A-G.
Other names: c.3364A>G, p.Thr1122Ala (NM_001365952.1); c.3226A>G, p.Thr1076Ala (NM_015074.3); short protein forms T1122A, T1076A.
Identifiers: ClinVar variation 1729122 (VCV001729122.3), dbSNP rs2521722041, ClinGen allele CA338340607.

ClinVar aggregate classification (germline): Uncertain significance (1 of 4 stars; one submission).

Submission:

Ambry Genetics
Classification: Uncertain significance. Last evaluated: 2023-07-29. Review status: criteria provided, single submitter. Criteria: Ambry Variant Classification Scheme 2023. Collection method: clinical testing. Allele origin: germline.
Comment: The p.T1076A variant (also known as c.3226A>G), located in coding exon 28 of the KIF1B gene, results from an A to G substitution at nucleotide position 3226. The threonine at codon 1076 is replaced by alanine, an amino acid with similar properties. This amino acid position is highly conserved in available vertebrate species. In addition, this alteration is predicted to be deleterious by in silico analysis. Since supporting evidence is limited at this time, the clinical significance of this alteration remains unclear.